The following is an entry in ClinVar:

NC_000009.12:g.35658065_35658066delinsTC

Gene: RMRP (RNA component of mitochondrial RNA processing endoribonuclease; minus strand). Cytogenetic location: 9p13.3.
Variant type: Indel.
Genome position: GRCh38 VCF-style: chr9-35658065-GT-TC. GRCh37 (hg19) VCF-style: chr9-35658062-GT-TC.
Identifiers: ClinVar variation 1014018 (VCV001014018.2), dbSNP rs1823654028, ClinGen allele CA1846127759.
Genomic context (GRCh38, chr9:35,658,065, plus strand): 5'-CTTCAGCACGAACCACGTCCTCAGCTTCACAGAGTAGTATTTTATAGCCCTAAAGAAATT[GT>TC]GTTTTATGATTAGGGTGAGAAAGTTGGTGGCGTGAGATTAAAAAAACCGTTTTCGGGCAT-3'

ClinVar aggregate classification (germline): Uncertain significance (1 of 4 stars; one submission).

Conditions:
Anauxetic dysplasia. Identifiers: Orphanet 93347, MedGen C1846796, MONDO:0011773.

Submission:

Labcorp Genetics (formerly Invitae), Labcorp
Classification: Uncertain significance for Anauxetic dysplasia. Last evaluated: 2021-07-21. Review status: criteria provided, single submitter. Criteria: Invitae Variant Classification Sherloc (09022015). Collection method: clinical testing. Allele origin: germline.
Comment: This variant occurs in the RMRP gene, which encodes an RNA molecule that does not result in a protein product. The frequency data for this variant in the population databases is considered unreliable, as metrics indicate insufficient coverage at this position in the ExAC database. This variant has not been reported in the literature in individuals with RMRP-related conditions. Experimental studies and prediction algorithms are not available for this variant, and the functional significance of this non-coding change is currently unknown. In summary, the available evidence is currently insufficient to determine the role of this variant in disease. Therefore, it has been classified as a Variant of Uncertain Significance.